The following is an entry in ClinVar:

NM_000088.4(COL1A1):c.1837G>A (p.Asp613Asn)

Gene: COL1A1 (collagen type I alpha 1 chain; minus strand). Cytogenetic location: 17q21.33.
Variant type: single nucleotide variant.
Coding change: c.1837G>A on transcript NM_000088.4 (MANE Select); coding-DNA position 1837, G replaced by A.
Protein change: p.Asp613Asn; replaces aspartic acid 613 with asparagine.
Molecular consequence: missense variant.
Genome position (GRCh38, 1-based): chr17:50,192,835, C>T on the plus strand (G>A on the coding strand, the complement: COL1A1 is on the minus strand). VCF-style: chr17-50192835-C-T. GRCh37 (hg19) VCF-style: chr17-48270196-C-T.
Other names: short protein forms D613N.
Identifiers: ClinVar variation 4535922 (VCV004535922.1), dbSNP rs143145612.

ClinVar aggregate classification (germline): Uncertain significance (1 of 4 stars; one submission).

Submission:

Women's Health and Genetics/Laboratory Corporation of America, LabCorp
Classification: Uncertain significance. Last evaluated: 2025-09-02. Review status: criteria provided, single submitter. Criteria: LabCorp Variant Classification Summary - May 2015. Collection method: clinical testing. Allele origin: germline.
Comment: Variant summary: COL1A1 c.1837G>A (p.Asp613Asn) results in a conservative amino acid change in the encoded protein sequence. Algorithms developed to predict the effect of missense changes on protein structure and function are either unavailable or do not agree on the potential impact of this missense change. The variant was absent in 251158 control chromosomes. The available data on variant occurrences in the general population are insufficient to allow any conclusion about variant significance. To our knowledge, no occurrence of c.1837G>A in individuals affected with COL1A1-related conditions and no experimental evidence demonstrating its impact on protein function have been reported. No submitters have cited clinical-significance assessments for this variant to ClinVar. Based on the evidence outlined above, the variant was classified as uncertain significance.